The following is an entry in ClinVar:

ClinVar aggregate classification (germline): Uncertain significance (0 of 4 stars; one submission).

Conditions:
Prostate cancer. Also called: Malignant tumor of prostate. Identifiers: Orphanet 1331, MedGen C0376358, MONDO:0008315, HP:0012125.

Allele frequency attached by ClinVar (database versions not stated): gnomAD exomes below 0.00001.

Submission:

Science for Life laboratory,  Karolinska Institutet
Classification: Uncertain significance for Malignant tumor of prostate. Review status: no assertion criteria provided. Collection method: not provided. Allele origin: somatic.
Comment: TumorID:SWE-1
ClinVar note: Converted during submission from Unknown to Uncertain significance.

NM_181785.4(SLC46A3):c.1189G>A (p.Val397Ile)

Gene: SLC46A3 (solute carrier family 46 member 3; minus strand). Cytogenetic location: 13q12.3.
Variant type: single nucleotide variant.
Coding change: c.1189G>A on transcript NM_181785.4 (MANE Select); coding-DNA position 1189, G replaced by A.
Protein change: p.Val397Ile; replaces valine 397 with isoleucine.
Molecular consequence: missense variant.
Genome position (GRCh38, 1-based): chr13:28,704,055, C>T on the plus strand (G>A on the coding strand, the complement: SLC46A3 is on the minus strand). VCF-style: chr13-28704055-C-T. GRCh37 (hg19) VCF-style: chr13-29278192-C-T.
Other names: c.1189G>A, p.Val397Ile (NM_001135919.2, NM_001347960.2); short protein forms V397I.
Identifiers: ClinVar variation 161525 (VCV000161525.2), dbSNP rs193920747, ClinGen allele CA174265.